The following is an entry in ClinVar:

Single allele

Gene: TSC2 (TSC complex subunit 2; plus strand). Cytogenetic location: 16p13.3.
Variant type: Deletion.
Identifiers: ClinVar variation 1807274 (VCV001807274.1).

ClinVar aggregate classification (germline): Likely pathogenic (1 of 4 stars; one submission).

Submission:

Athena Diagnostics
Classification: Likely pathogenic. Last evaluated: 2022-01-05. Review status: criteria provided, single submitter. Criteria: Athena Diagnostics Criteria. Collection method: clinical testing. Allele origin: unknown.
Comment: This deletion variant maintains the transcript's reading frame, but is likely to disrupt protein structure or function. This variant has not been reported in large, multi-ethnic general populations. This variant has been identified in at least one individual tested at Athena Diagnostics with clinical features associated with this gene.